The following is an entry in ClinVar:

NM_018013.4(SOBP):c.2289G>C (p.Pro763=)

Gene: SOBP (sine oculis binding protein homolog; plus strand). Cytogenetic location: 6q21.
Variant type: single nucleotide variant.
Coding change: c.2289G>C on transcript NM_018013.4 (MANE Select); coding-DNA position 2289, G replaced by C.
Protein change: p.Pro763=; no amino-acid change (proline 763 retained).
Molecular consequence: synonymous variant.
Genome position (GRCh38, 1-based): chr6:107,635,133, G>C. VCF-style: chr6-107635133-G-C. GRCh37 (hg19) VCF-style: chr6-107956337-G-C.
Identifiers: ClinVar variation 3033875 (VCV003033875.2), dbSNP rs1653519439, ClinGen allele CA451582404.
Genomic context (GRCh38, chr6:107,635,133, plus strand): 5'-GCAGCCGCCGCCGCCGCCGCCGCCCGCGCCCCCCAAGAAGCTGCTGTCGCCTGAGGAACC[G>C]GCGGTGAGCGAGCTAGAGTCGGTCAAGGAGAATAACTGTGCTTCCAACTGCCACCTGGAC-3'
Protein context (NP_060483.3, residues 753-773): PPKKLLSPEE[Pro763=]AVSELESVKE

ClinVar aggregate classification (germline): Likely benign (0 of 4 stars; one submission).

Conditions:
SOBP-related disorder. Also called: SOBP-related condition.

Allele frequency attached by ClinVar (database versions not stated): gnomAD exomes below 0.00001.
gnomAD v4.1: 3 of 1,613,008 alleles (0.00019%); highest among the groups gnomAD compares: Non-Finnish European, 0.00025%; no homozygotes.

Submission:

PreventionGenetics, part of Exact Sciences
Classification: Likely benign for SOBP-related condition. Last evaluated: 2019-06-17. Review status: no assertion criteria provided. Collection method: clinical testing. Allele origin: germline.
Comment: This variant is classified as likely benign based on ACMG/AMP sequence variant interpretation guidelines (Richards et al. 2015 PMID: 25741868, with internal and published modifications).